The following is an entry in ClinVar:

NM_001365276.2(TNXB):c.5609C>T (p.Thr1870Ile)

Gene: TNXB (tenascin XB; minus strand). Cytogenetic location: 6p21.33.
Variant type: single nucleotide variant.
Coding change: c.5609C>T on transcript NM_001365276.2 (MANE Select); coding-DNA position 5609, C replaced by T.
Protein change: p.Thr1870Ile; replaces threonine 1870 with isoleucine.
Molecular consequence: missense variant.
Genome position (GRCh38, 1-based): chr6:32,069,115, G>A on the plus strand (C>T on the coding strand, the complement: TNXB is on the minus strand). VCF-style: chr6-32069115-G-A. GRCh37 (hg19) VCF-style: chr6-32036892-G-A.
Other names: c.6350C>T, p.Thr2117Ile (NM_001428335.1); c.5609C>T, p.Thr1870Ile (NM_019105.8); short protein forms T1870I, T2117I.
Identifiers: ClinVar variation 3227294 (VCV003227294.1), dbSNP rs1582407703, ClinGen allele CA363410542.

ClinVar aggregate classification (germline): Uncertain significance (1 of 4 stars; one submission).

Conditions:
Cardiovascular phenotype. Identifiers: MedGen CN230736.

Submission:

Ambry Genetics
Classification: Uncertain significance for Cardiovascular phenotype. Last evaluated: 2024-02-01. Review status: criteria provided, single submitter. Criteria: Ambry Variant Classification Scheme 2023. Collection method: clinical testing. Allele origin: germline.
Comment: The p.T1870I variant (also known as c.5609C>T), located in coding exon 15 of the TNXB gene, results from a C to T substitution at nucleotide position 5609. The threonine at codon 1870 is replaced by isoleucine, an amino acid with similar properties. This amino acid position is conserved. In addition, this alteration is predicted to be tolerated by in silico analysis. Based on the available evidence, the clinical significance of this alteration remains unclear.